The following is an entry in ClinVar:

ClinVar aggregate classification (germline): Benign/Likely benign. Review status: criteria provided, multiple submitters, no conflicts (2 of 4 stars). 6 submissions from 6 submitters: Benign (1); Likely benign (5). Last evaluated 2026-01-11.

Conditions:
Hereditary cancer-predisposing syndrome. Also called: Hereditary Cancer Syndrome; Neoplastic Syndromes, Hereditary; Tumor predisposition; Hereditary neoplastic syndrome. Identifiers: Orphanet 140162, MedGen C0027672, MeSH D009386, MONDO:0015356.
Juvenile polyposis syndrome (JPS). Identifiers: Orphanet 2929, MedGen C0345893, MONDO:0017380, OMIM 174900.

Allele frequency attached by ClinVar (database versions not stated): gnomAD exomes below 0.00001 and 0.00001; gnomAD 0.00001; ExAC 0.00002; 1000 Genomes Project 30x 0.00031; 1000 Genomes Project 0.00040.
gnomAD v4.1: 4 of 1,613,876 alleles (0.00025%); highest among the groups gnomAD compares: Admixed American, 0.005%; no homozygotes.

Submissions (6):

Labcorp Genetics (formerly Invitae), Labcorp
Classification: Likely benign for Juvenile polyposis syndrome. Last evaluated: 2026-01-11. Review status: criteria provided, single submitter. Criteria: Invitae Variant Classification Sherloc (09022015). Collection method: clinical testing. Allele origin: germline.

Myriad Genetics, Inc.
Classification: Benign for Juvenile polyposis syndrome. Last evaluated: 2024-08-05. Review status: criteria provided, single submitter. Criteria: Myriad Autosomal Dominant, Autosomal Recessive and X-Linked Classification Criteria (2023). Collection method: clinical testing. Allele origin: unknown.
Comment: This variant is considered benign. This variant is a silent/synonymous amino acid change and it is not expected to impact splicing.

Color Diagnostics, LLC DBA Color Health
Classification: Likely benign for Hereditary cancer-predisposing syndrome. Last evaluated: 2022-11-06. Review status: criteria provided, single submitter. Criteria: ACMG Guidelines, 2015. Collection method: clinical testing. Allele origin: germline.

Quest Diagnostics Nichols Institute San Juan Capistrano
Classification: Likely benign. Last evaluated: 2021-05-10. Review status: criteria provided, single submitter. Criteria: Quest Diagnostics criteria. Collection method: clinical testing. Allele origin: unknown.

Women's Health and Genetics/Laboratory Corporation of America, LabCorp
Classification: Likely benign. Last evaluated: 2019-08-21. Review status: criteria provided, single submitter. Criteria: LabCorp Variant Classification Summary - May 2015. Collection method: clinical testing. Allele origin: germline.

Ambry Genetics
Classification: Likely benign for Hereditary cancer-predisposing syndrome. Last evaluated: 2017-10-26. Review status: criteria provided, single submitter. Criteria: Ambry Variant Classification Scheme 2023. Collection method: clinical testing. Allele origin: germline.

NM_004329.3(BMPR1A):c.774G>A (p.Val258=)

Gene: BMPR1A (bone morphogenetic protein receptor type 1A; plus strand). Cytogenetic location: 10q23.2.
Variant type: single nucleotide variant.
Coding change: c.774G>A on transcript NM_004329.3 (MANE Select); coding-DNA position 774, G replaced by A.
Protein change: p.Val258=; no amino-acid change (valine 258 retained).
Molecular consequence: synonymous variant.
Genome position (GRCh38, 1-based): chr10:86,917,232, G>A. VCF-style: chr10-86917232-G-A. GRCh37 (hg19) VCF-style: chr10-88676989-G-A.
Identifiers: ClinVar variation 633082 (VCV000633082.17), dbSNP rs540411494, ClinGen allele CA5585602.
Genomic context (GRCh38, chr10:86,917,232, plus strand): 5'-GCAAGTTGGTAAAGGCCGATATGGAGAAGTATGGATGGGCAAATGGCGTGGCGAAAAAGT[G>A]GCGGTGAAAGTATTCTTTACCACTGAAGAAGCCAGCTGGTTTCGAGAAACAGAAATCTAC-3'
Protein context (NP_004320.2, residues 248-268): VWMGKWRGEK[Val258=]AVKVFFTTEE